The following is an entry in ClinVar:

ClinVar aggregate classification (germline): Likely benign. Review status: criteria provided, multiple submitters, no conflicts (2 of 4 stars). 4 submissions from 4 submitters: Likely benign (4). Last evaluated 2025-06-16.

Conditions:
Hereditary cancer-predisposing syndrome. Also called: Hereditary Cancer Syndrome; Neoplastic Syndromes, Hereditary; Hereditary neoplastic syndrome; Tumor predisposition. Identifiers: Orphanet 140162, MedGen C0027672, MeSH D009386, MONDO:0015356.
Hereditary breast ovarian cancer syndrome. Also called: Hereditary breast and ovarian cancer syndrome (HBOC); Hereditary breast and ovarian cancer syndrome; Breast and ovarian cancer; Hereditary breast and/or ovarian cancer syndrome; BRCA1- and BRCA2-Associated Hereditary Breast and Ovarian Cancer; Hereditary breast and ovarian cancer. Identifiers: Orphanet 145, MedGen C0677776, MeSH D061325, MONDO:0003582. Disease mechanism: loss of function.
Breast-ovarian cancer, familial, susceptibility to, 2 (BROVCA2). Also called: BRCA2 Hereditary Breast and Ovarian Cancer. Identifiers: Orphanet 145, MedGen C2675520, MONDO:0012933, OMIM 612555. Disease mechanism: loss of function.

Submissions (4):

ARUP Laboratories, Molecular Genetics and Genomics, ARUP Laboratories
Classification: Likely benign. Last evaluated: 2025-06-16. Review status: criteria provided, single submitter. Criteria: ARUP Molecular Germline Variant Investigation Process 2024. Collection method: clinical testing. Allele origin: germline.

Labcorp Genetics (formerly Invitae), Labcorp
Classification: Likely benign for Hereditary breast ovarian cancer syndrome. Last evaluated: 2025-06-05. Review status: criteria provided, single submitter. Criteria: Invitae Variant Classification Sherloc (09022015). Collection method: clinical testing. Allele origin: germline.

All of Us Research Program, National Institutes of Health
Classification: Likely benign for Breast-ovarian cancer, familial, susceptibility to, 2. Last evaluated: 2023-08-15. Review status: criteria provided, single submitter. Criteria: ACMG Guidelines, 2015. Collection method: clinical testing. Allele origin: germline. Inheritance: Autosomal dominant inheritance. Observed: 1 variant allele, 1 heterozygote.
Comment: This study involves interpretation of variants in research participants for the purpose of population health screening. Participant phenotype was not available at the time of variant classification. Additional details can be found in publication PMID: 35346344, PMCID: PMC8962531

Ambry Genetics
Classification: Likely benign for Hereditary cancer-predisposing syndrome. Last evaluated: 2019-11-29. Review status: criteria provided, single submitter. Criteria: Ambry Variant Classification Scheme 2023. Collection method: clinical testing. Allele origin: germline.

NM_000059.4(BRCA2):c.1191A>G (p.Gln397=)

Gene: BRCA2 (BRCA2 DNA repair associated; plus strand). Cytogenetic location: 13q13.1.
Variant type: single nucleotide variant.
Coding change: c.1191A>G on transcript NM_000059.4 (MANE Select); coding-DNA position 1191, A replaced by G.
Protein change: p.Gln397=; no amino-acid change (glutamine 397 retained).
Molecular consequence: synonymous variant.
Genome position (GRCh38, 1-based): chr13:32,332,669, A>G. VCF-style: chr13-32332669-A-G. GRCh37 (hg19) VCF-style: chr13-32906806-A-G.
Identifiers: ClinVar variation 818559 (VCV000818559.16), dbSNP rs1593892181, ClinGen allele CA483436389.